The following is an entry in ClinVar:

NM_147127.5(EVC2):c.3846G>T (p.Glu1282Asp)

Gene: EVC2 (EvC ciliary complex subunit 2; minus strand). Cytogenetic location: 4p16.2.
Variant type: single nucleotide variant.
Coding change: c.3846G>T on transcript NM_147127.5 (MANE Select); coding-DNA position 3846, G replaced by T.
Protein change: p.Glu1282Asp; replaces glutamic acid 1282 with aspartic acid.
Molecular consequence: missense variant.
Genome position (GRCh38, 1-based): chr4:5,562,929, C>A on the plus strand (G>T on the coding strand, the complement: EVC2 is on the minus strand). VCF-style: chr4-5562929-C-A. GRCh37 (hg19) VCF-style: chr4-5564656-C-A.
Other names: c.3606G>T, p.Glu1202Asp (NM_001166136.2); short protein forms E1202D, E1282D.
Identifiers: ClinVar variation 2200094 (VCV002200094.3), dbSNP rs759364116, ClinGen allele CA2834173.

ClinVar aggregate classification (germline): Uncertain significance (1 of 4 stars; one submission).

Conditions:
Curry-Hall syndrome (WAD). Also called: WEYERS ACRODENTAL DYSOSTOSIS. Identifiers: Orphanet 952, MedGen C0457013, MONDO:0008673, OMIM 193530.
Ellis-van Creveld syndrome (EVC). Also called: MESOECTODERMAL DYSPLASIA; EVC-Related Ellis-van Creveld Syndrome; EVC2-Related Ellis-van Creveld Syndrome; Chondroectodermal dysplasia. Identifiers: Orphanet 289, MedGen C0013903, MONDO:0009162, OMIM 225500.

Allele frequency attached by ClinVar (database versions not stated): gnomAD exomes below 0.00001; gnomAD 0.00001; ExAC 0.00002; TOPMed 0.00002.
gnomAD v4.1: 4 of 1,614,014 alleles (0.00025%); highest among the groups gnomAD compares: East Asian, 0.0089%; no homozygotes.

Submission:

Labcorp Genetics (formerly Invitae), Labcorp
Classification: Uncertain significance for Curry-Hall syndrome; Ellis-van Creveld syndrome. Last evaluated: 2024-07-04. Review status: criteria provided, single submitter. Criteria: Invitae Variant Classification Sherloc (09022015). Collection method: clinical testing. Allele origin: germline.
Comment: This sequence change replaces glutamic acid, which is acidic and polar, with aspartic acid, which is acidic and polar, at codon 1282 of the EVC2 protein (p.Glu1282Asp). This variant is present in population databases (rs759364116, gnomAD 0.03%). This variant has not been reported in the literature in individuals affected with EVC2-related conditions. ClinVar contains an entry for this variant (Variation ID: 2200094). An algorithm developed to predict the effect of missense changes on protein structure and function (PolyPhen-2) suggests that this variant is likely to be disruptive. In summary, the available evidence is currently insufficient to determine the role of this variant in disease. Therefore, it has been classified as a Variant of Uncertain Significance.